The following is an entry in ClinVar:

NM_021870.3(FGG):c.691A>G (p.Lys231Glu)

Gene: FGG (fibrinogen gamma chain; minus strand). Cytogenetic location: 4q32.1.
Variant type: single nucleotide variant.
Coding change: c.691A>G on transcript NM_021870.3 (MANE Select); coding-DNA position 691, A replaced by G.
Protein change: p.Lys231Glu; replaces lysine 231 with glutamic acid.
Molecular consequence: missense variant.
Genome position (GRCh38, 1-based): chr4:154,608,626, T>C on the plus strand (A>G on the coding strand, the complement: FGG is on the minus strand). VCF-style: chr4-154608626-T-C. GRCh37 (hg19) VCF-style: chr4-155529778-T-C.
Other names: c.691A>G, p.Lys231Glu (NM_000509.6); short protein forms K231E.
Identifiers: ClinVar variation 2497803 (VCV002497803.1), dbSNP rs1383020932, ClinGen allele CA358536528.

ClinVar aggregate classification (germline): Uncertain significance (1 of 4 stars; one submission).

Submission:

GeneDx
Classification: Uncertain significance. Last evaluated: 2022-10-04. Review status: criteria provided, single submitter. Criteria: GeneDx Variant Classification Process June 2021. Collection method: clinical testing. Allele origin: germline. Affected: yes.
Comment: In silico analysis supports that this missense variant does not alter protein structure/function; Has not been previously published as pathogenic or benign to our knowledge